The following is an entry in ClinVar:

NM_001130438.3(SPTAN1):c.2204A>T (p.Asp735Val)

Gene: SPTAN1 (spectrin alpha, non-erythrocytic 1; plus strand). Cytogenetic location: 9q34.11.
Variant type: single nucleotide variant.
Coding change: c.2204A>T on transcript NM_001130438.3 (MANE Select); coding-DNA position 2204, A replaced by T.
Protein change: p.Asp735Val; replaces aspartic acid 735 with valine.
Molecular consequence: missense variant.
Genome position (GRCh38, 1-based): chr9:128,584,292, A>T. VCF-style: chr9-128584292-A-T. GRCh37 (hg19) VCF-style: chr9-131346571-A-T.
Other names: c.2204A>T, p.Asp735Val (NM_001195532.2, NM_001363759.2, NM_001363765.2 and 10 more transcripts); c.2240A>T, p.Asp747Val (NM_001375312.2, NM_001375318.1, NM_001438440.1); short protein forms D735V, D747V.
Identifiers: ClinVar variation 4855251 (VCV004855251.1).
Genomic context (GRCh38, chr9:128,584,292, plus strand): 5'-GATAAAACCACACCCAAAGTAAAGTCTGCTCTGTCCTTTTGCATTCCCAGGACCGAATTG[A>T]TGGCATCACCATTCAGGCCCGCCAGTTCCAAGATGCTGGCCATTTTGATGCAGAAAACAT-3'
Protein context (NP_001123910.1, residues 725-745): ADVAAHQDRI[Asp735Val]GITIQARQFQ

ClinVar aggregate classification (germline): Uncertain significance (1 of 4 stars; one submission).

Conditions:
Developmental and epileptic encephalopathy, 5 (DEE5). Identifiers: Orphanet 3451, MedGen C3150731, MONDO:0013277, OMIM 613477.

Submission:

3billion
Classification: Uncertain significance for Developmental and epileptic encephalopathy, 5. Last evaluated: 2025-07-28. Review status: criteria provided, single submitter. Criteria: ACMG Guidelines, 2015. Collection method: clinical testing. Allele origin: germline. Affected: yes.
Comment: The variant is not observed in the gnomAD v4.1.0 dataset. Predicted Consequence/Location: Missense variant In silico tool predictions suggest damaging effect of the variant on gene or gene product [REVEL: 0.66 (>=0.6, sensitivity 0.68 and specificity 0.92)]. Different missense changes at the same codon have been reported as of uncertain significance (ClinVar ID: VCV002830998, VCV002837398). Therefore, this variant is classified as VUS according to the recommendation of ACMG/AMP guideline.